The following is an entry in ClinVar:

NM_004982.4(KCNJ8):c.727A>G (p.Ile243Val)

Genes: KCNJ8 (potassium inwardly rectifying channel subfamily J member 8; minus strand), KCNJ8-AS1 (KCNJ8 antisense RNA 1; plus strand). Cytogenetic location: 12p12.1.
Variant type: single nucleotide variant.
Coding change: c.727A>G on transcript NM_004982.4 (MANE Select); coding-DNA position 727, A replaced by G.
Protein change: p.Ile243Val; replaces isoleucine 243 with valine.
Molecular consequence: missense variant.
Genome position (GRCh38, 1-based): chr12:21,766,271, T>C on the plus strand (A>G on the coding strand, the complement: KCNJ8 is on the minus strand). VCF-style: chr12-21766271-T-C. GRCh37 (hg19) VCF-style: chr12-21919205-T-C.
Identifiers: ClinVar variation 2451395 (VCV002451395.3), dbSNP rs1394964897, ClinGen allele CA384124874.

ClinVar aggregate classification (germline): Uncertain significance (1 of 4 stars; one submission).

Conditions:
Cardiovascular phenotype. Identifiers: MedGen CN230736.

Allele frequency attached by ClinVar (database versions not stated): gnomAD exomes 0.00001.

Submission:

Ambry Genetics
Classification: Uncertain significance for Cardiovascular phenotype. Last evaluated: 2025-07-06. Review status: criteria provided, single submitter. Criteria: Ambry Variant Classification Scheme 2023. Collection method: clinical testing. Allele origin: germline.
Comment: The p.I243V variant (also known as c.727A>G), located in coding exon 2 of the KCNJ8 gene, results from an A to G substitution at nucleotide position 727. The isoleucine at codon 243 is replaced by valine, an amino acid with highly similar properties. This amino acid position is conserved. In addition, the in silico prediction for this alteration is inconclusive. Since supporting evidence is limited at this time, the clinical significance of this alteration remains unclear.